The following is an entry in ClinVar:

ClinVar aggregate classification (germline): Likely benign. Review status: criteria provided, multiple submitters, no conflicts (2 of 4 stars). 2 submissions from 2 submitters: Likely benign (2). Last evaluated 2025-06-08.

Allele frequency attached by ClinVar (database versions not stated): TOPMed below 0.00001; ExAC 0.00001; gnomAD exomes 0.00001.
gnomAD v4.1: 9 of 1,613,992 alleles (0.00056%); highest among the groups gnomAD compares: Non-Finnish European, 0.00025%; no homozygotes.

Submissions (2):

Labcorp Genetics (formerly Invitae), Labcorp
Classification: Likely benign. Last evaluated: 2025-06-08. Review status: criteria provided, single submitter. Criteria: Invitae Variant Classification Sherloc (09022015). Collection method: clinical testing. Allele origin: germline.

CeGaT Center for Human Genetics Tuebingen
Classification: Likely benign. Last evaluated: 2023-03-01. Review status: criteria provided, single submitter. Criteria: CeGaT Center For Human Genetics Tuebingen Variant Classification Criteria Version 2. Collection method: clinical testing. Allele origin: germline. Affected: yes. Observed: 1 variant allele.
Comment: NOTCH3: BP4, BP7

NM_000435.3(NOTCH3):c.3363C>T (p.Asp1121=)

Gene: NOTCH3 (notch receptor 3; minus strand). Cytogenetic location: 19p13.12.
Variant type: single nucleotide variant.
Coding change: c.3363C>T on transcript NM_000435.3 (MANE Select); coding-DNA position 3363, C replaced by T.
Protein change: p.Asp1121=; no amino-acid change (aspartic acid 1121 retained).
Molecular consequence: synonymous variant.
Genome position (GRCh38, 1-based): chr19:15,179,461, G>A on the plus strand (C>T on the coding strand, the complement: NOTCH3 is on the minus strand). VCF-style: chr19-15179461-G-A. GRCh37 (hg19) VCF-style: chr19-15290272-G-A.
Identifiers: ClinVar variation 2649437 (VCV002649437.25), dbSNP rs779879597, ClinGen allele CA9263103.